The following is an entry in ClinVar:

NM_000245.4(MET):c.1113C>A (p.Asn371Lys)

Gene: MET (MET proto-oncogene, receptor tyrosine kinase; plus strand). Cytogenetic location: 7q31.2.
Variant type: single nucleotide variant.
Coding change: c.1113C>A on transcript NM_000245.4 (MANE Select); coding-DNA position 1113, C replaced by A.
Protein change: p.Asn371Lys; replaces asparagine 371 with lysine.
Molecular consequence: missense variant. On other transcripts: intron variant (1).
Genome position (GRCh38, 1-based): chr7:116,700,197, C>A. VCF-style: chr7-116700197-C-A. GRCh37 (hg19) VCF-style: chr7-116340251-C-A.
Other names: c.1113C>A, p.Asn371Lys (NM_001127500.3, NM_001324401.3); c.-91+27620C>A (NM_001324402.2); short protein forms N371K.
Identifiers: ClinVar variation 1360221 (VCV001360221.11), dbSNP rs772014416, ClinGen allele CA368970564.

ClinVar aggregate classification (germline): Conflicting classifications of pathogenicity. Review status: criteria provided, conflicting classifications (1 of 4 stars). 2 submissions from 2 submitters: Uncertain significance (1); Likely benign (1). Last evaluated 2026-06-04.

Conditions:
Renal cell carcinoma. Identifiers: Orphanet 217071, MedGen C0007134, MeSH D002292, MONDO:0005086, HP:0005584.
Hereditary cancer-predisposing syndrome. Also called: Neoplastic Syndromes, Hereditary; Tumor predisposition; Hereditary Cancer Syndrome; Hereditary neoplastic syndrome. Identifiers: Orphanet 140162, MedGen C0027672, MeSH D009386, MONDO:0015356.

gnomAD v4.1: 1 of 1,592,764 alleles (0.000063%); highest among the groups gnomAD compares: South Asian, 0.0012%; no homozygotes.

Submissions (2):

Ambry Genetics
Classification: Likely benign for Hereditary cancer-predisposing syndrome. Last evaluated: 2026-06-04. Review status: criteria provided, single submitter. Criteria: Ambry Variant Classification Scheme 2023. Collection method: clinical testing. Allele origin: germline.

Labcorp Genetics (formerly Invitae), Labcorp
Classification: Uncertain significance for Renal cell carcinoma. Last evaluated: 2021-02-01. Review status: criteria provided, single submitter. Criteria: Invitae Variant Classification Sherloc (09022015). Collection method: clinical testing. Allele origin: germline.
Comment: In summary, the available evidence is currently insufficient to determine the role of this variant in disease. Therefore, it has been classified as a Variant of Uncertain Significance. Algorithms developed to predict the effect of sequence changes on RNA splicing suggest that this variant may create or strengthen a splice site, but this prediction has not been confirmed by published transcriptional studies. Algorithms developed to predict the effect of missense changes on protein structure and function are either unavailable or do not agree on the potential impact of this missense change (SIFT: "Deleterious"; PolyPhen-2: "Possibly Damaging"; Align-GVGD: "Class C0"). This variant has not been reported in the literature in individuals with MET-related conditions. This variant is not present in population databases (ExAC no frequency). This sequence change replaces asparagine with lysine at codon 371 of the MET protein (p.Asn371Lys). The asparagine residue is highly conserved and there is a moderate physicochemical difference between asparagine and lysine.